The following is an entry in ClinVar:

NM_001077653.2(TBX20):c.654+1G>C

Gene: TBX20 (T-box transcription factor 20; minus strand). Cytogenetic location: 7p14.2.
Variant type: single nucleotide variant.
Coding change: c.654+1G>C on transcript NM_001077653.2 (MANE Select); the canonical splice donor site of the intron after coding-DNA position 654, G replaced by C.
Molecular consequence: splice donor variant.
Genome position (GRCh38, 1-based): chr7:35,244,948, C>G on the plus strand (G>C on the coding strand, the complement: TBX20 is on the minus strand). VCF-style: chr7-35244948-C-G. GRCh37 (hg19) VCF-style: chr7-35284560-C-G.
Other names: c.654+1G>C (NM_001166220.1).
Identifiers: ClinVar variation 3062296 (VCV003062296.2), dbSNP rs2546994664, ClinGen allele CA367264257.

ClinVar aggregate classification (germline): Likely pathogenic. Review status: criteria provided, multiple submitters, no conflicts (2 of 4 stars). 2 submissions from 2 submitters: Likely pathogenic (2). Last evaluated 2021-09-28.

Conditions:
Atrial septal defect 4 (ASD4). Identifiers: Orphanet 1478, MedGen C1969657, MONDO:0012654, OMIM 611363.
TBX20-related disorder. Also called: TBX20-related condition.

Submissions (2):

Blueprint Genetics
Classification: Likely pathogenic for TBX20-related disorders. Last evaluated: 2021-09-28. Review status: criteria provided, single submitter. Criteria: ACMG Guidelines, 2015. Collection method: clinical testing. Allele origin: germline. Affected: yes. Observed: 3 variant alleles.

Molecular Genetics Department, Kulakov National Medical Research Center for Obstetrics, Gynecology and Perinatology
Classification: Likely pathogenic for Atrial septal defect 4. Review status: criteria provided, single submitter. Criteria: ACMG Guidelines, 2015. Collection method: clinical testing. Allele origin: germline. Affected: yes.
Comment: A previously undescribed nucleotide variant creates an alteration of the canonical splice site c.654+1G>C in the TBX20 gene. Loss-of-function variants are reported in patients with Atrial septal defect 4, 611363 and other types of CHD [Huang et al., PMID: 28553164]. The variant is not present in population database (gnomAD no frequency). In summary, the currently available evidence indicates that the variant is pathogenic, but additional data are needed to prove that conclusively. Therefore, this variant has been classified as likely pathogenic.